The following is an entry in ClinVar:

NM_015884.4(MBTPS2):c.1490T>C (p.Ile497Thr)

Gene: MBTPS2 (membrane bound transcription factor peptidase, site 2; plus strand). Cytogenetic location: Xp22.12.
Variant type: single nucleotide variant.
Coding change: c.1490T>C on transcript NM_015884.4 (MANE Select); coding-DNA position 1490, T replaced by C.
Protein change: p.Ile497Thr; replaces isoleucine 497 with threonine.
Molecular consequence: missense variant.
Genome position (GRCh38, 1-based): chrX:21,882,585, T>C. VCF-style: chrX-21882585-T-C. GRCh37 (hg19) VCF-style: chrX-21900703-T-C.
Other names: short protein forms I497T.
Identifiers: ClinVar variation 4701739 (VCV004701739.1).

ClinVar aggregate classification (germline): Uncertain significance (1 of 4 stars; one submission).

Submission:

Labcorp Genetics (formerly Invitae), Labcorp
Classification: Uncertain significance. Last evaluated: 2026-01-05. Review status: criteria provided, single submitter. Criteria: Invitae Variant Classification Sherloc (09022015). Collection method: clinical testing. Allele origin: germline.
Comment: This sequence change replaces isoleucine, which is neutral and non-polar, with threonine, which is neutral and polar, at codon 497 of the MBTPS2 protein (p.Ile497Thr). This variant is not present in population databases (gnomAD no frequency). This variant has not been reported in the literature in individuals affected with MBTPS2-related conditions. Invitae Evidence Modeling of protein sequence and biophysical properties (such as structural, functional, and spatial information, amino acid conservation, physicochemical variation, residue mobility, and thermodynamic stability) has been performed for this missense variant. However, the output from this modeling did not meet the statistical confidence thresholds required to predict the impact of this variant on MBTPS2 protein function. In summary, the available evidence is currently insufficient to determine the role of this variant in disease. Therefore, it has been classified as a Variant of Uncertain Significance.